The following is an entry in ClinVar:

NM_177924.5(ASAH1):c.457+45A>G

Gene: ASAH1 (N-acylsphingosine amidohydrolase 1; minus strand). Cytogenetic location: 8p22.
Variant type: single nucleotide variant.
Coding change: c.457+45A>G on transcript NM_177924.5 (MANE Select); 45 bases into the intron after coding-DNA position 457, A replaced by G.
Molecular consequence: intron variant.
Genome position (GRCh38, 1-based): chr8:18,064,412, T>C on the plus strand (A>G on the coding strand, the complement: ASAH1 is on the minus strand). VCF-style: chr8-18064412-T-C. GRCh37 (hg19) VCF-style: chr8-17921921-T-C.
Other names: c.505+45A>G (NM_004315.6); c.439+45A>G (NM_001127505.3); c.262+45A>G (NM_001363743.2).
Identifiers: ClinVar variation 259281 (VCV000259281.7), dbSNP rs2073574, ClinGen allele CA4650835.

ClinVar aggregate classification (germline): Benign. Review status: criteria provided, multiple submitters, no conflicts (2 of 4 stars). 5 submissions from 4 submitters: Benign (5). Last evaluated 2021-07-14.

Conditions:
Spinal muscular atrophy-progressive myoclonic epilepsy syndrome. Also called: Hereditary myoclonus and progressive distal muscular atrophy; Spinal Muscular Atrophy with Progressive Myoclonic Epilepsy (SMA-PME); Spinal muscular atrophy with progressive myoclonic epilepsy; MYOCLONUS, HEREDITARY, WITH PROGRESSIVE DISTAL MUSCULAR ATROPHY. Identifiers: Orphanet 2590, MedGen C1834569, MONDO:0008045, OMIM 159950.
Farber lipogranulomatosis (FRBRL). Also called: Farber's lipogranulomatosis; AC DEFICIENCY; ACID CERAMIDASE DEFICIENCY; CERAMIDASE DEFICIENCY; N-LAURYLSPHINGOSINE DEACYLASE DEFICIENCY; Farber's disease. Identifiers: Orphanet 333, MedGen C0268255, MONDO:0009218, OMIM 228000.

Allele frequency attached by ClinVar (database versions not stated): 1000 Genomes Project 0.56629; 1000 Genomes Project 30x 0.56980; gnomAD exomes 0.57717 and 0.61523; ExAC 0.60095; TOPMed 0.62164; gnomAD 0.63142 and 0.64032; ESP Exome Variant Server 0.65189.
gnomAD v4.1: 824,348 of 1,336,928 alleles (62%); highest among the groups gnomAD compares: African/African-American, 68%; 259,612 homozygotes.

Submissions (5):

Genome-Nilou Lab
Classification: Benign for Farber lipogranulomatosis. Last evaluated: 2021-07-14. Review status: criteria provided, single submitter. Criteria: ACMG Guidelines, 2015. Collection method: clinical testing. Allele origin: germline. Affected: no.

Genome-Nilou Lab
Classification: Benign for Spinal muscular atrophy-progressive myoclonic epilepsy syndrome. Last evaluated: 2021-07-14. Review status: criteria provided, single submitter. Criteria: ACMG Guidelines, 2015. Collection method: clinical testing. Allele origin: germline. Affected: no.

GeneDx
Classification: Benign. Last evaluated: 2018-06-19. Review status: criteria provided, single submitter. Criteria: GeneDx Variant Classification (06012015). Collection method: clinical testing. Allele origin: germline. Affected: yes.
Comment: This variant is considered likely benign or benign based on one or more of the following criteria: it is a conservative change, it occurs at a poorly conserved position in the protein, it is predicted to be benign by multiple in silico algorithms, and/or has population frequency not consistent with disease.

Breakthrough Genomics
Classification: Benign. Review status: criteria provided, single submitter. Criteria: ACMG Guidelines, 2015. Collection method: not provided. Allele origin: germline. Inheritance: Autosomal recessive inheritance. Affected: yes.

PreventionGenetics, part of Exact Sciences
Classification: Benign. Review status: criteria provided, single submitter. Criteria: ACMG Guidelines, 2015. Collection method: clinical testing. Allele origin: germline.